The following is an entry in ClinVar:

ClinVar aggregate classification (germline): Benign/Likely benign. Review status: criteria provided, multiple submitters, no conflicts (2 of 4 stars). 8 submissions from 8 submitters: Benign (2); Likely benign (4). 2 of the submissions do not count toward it. Last evaluated 2026-01-15.

Conditions:
Chromosome 2q37 deletion syndrome (BDMR). Also called: Chromosome 2, monosomy 2q37; Monosomy 2q37; Deletion 2q37; 2q37 microdeletion syndrome; ALBRIGHT HEREDITARY OSTEODYSTROPHY-LIKE SYNDROME. Identifiers: Orphanet 1001, MedGen C2931817, MONDO:0010886, OMIM 600430.

Allele frequency attached by ClinVar (database versions not stated): ExAC 0.00175; gnomAD 0.00180 and 0.00183; 1000 Genomes Project 0.00200; 1000 Genomes Project 30x 0.00203; ESP Exome Variant Server 0.00208; TOPMed 0.00208.
gnomAD v4.1: 4,682 of 1,614,110 alleles (0.29%); highest among the groups gnomAD compares: Non-Finnish European, 0.36%; 12 homozygotes.

Submissions (8):

Labcorp Genetics (formerly Invitae), Labcorp
Classification: Benign. Last evaluated: 2026-01-15. Review status: criteria provided, single submitter. Criteria: Invitae Variant Classification Sherloc (09022015). Collection method: clinical testing. Allele origin: germline.

CeGaT Center for Human Genetics Tuebingen
Classification: Likely benign. Last evaluated: 2025-08-01. Review status: criteria provided, single submitter. Criteria: CeGaT Center For Human Genetics Tuebingen Variant Classification Criteria Version 2. Collection method: clinical testing. Allele origin: germline. Affected: yes. Observed: 3 variant alleles.
Comment: HDAC4: BP4, BP7

Blueprint Genetics
Classification: Likely benign. Last evaluated: 2024-11-26. Review status: criteria provided, single submitter. Criteria: ACMG Guidelines, 2015. Collection method: clinical testing. Allele origin: germline.

GeneDx
Classification: Likely benign. Last evaluated: 2021-01-17. Review status: criteria provided, single submitter. Criteria: GeneDx Variant Classification Process June 2021. Collection method: clinical testing. Allele origin: germline. Affected: yes.

Eurofins Ntd Llc (ga)
Classification: Benign. Last evaluated: 2015-10-30. Review status: criteria provided, single submitter. Criteria: EGL Classification Definitions 2015. Collection method: clinical testing. Allele origin: germline. Observed: 1 variant allele, 1 heterozygote.

Breakthrough Genomics
Classification: Likely benign. Review status: criteria provided, single submitter. Criteria: ACMG Guidelines, 2015. Collection method: not provided. Allele origin: germline. Inheritance: Autosomal dominant inheritance. Affected: yes.

Clinical Genetics DNA and cytogenetics Diagnostics Lab, Erasmus MC, Erasmus Medical Center
Classification: Likely benign. Review status: no assertion criteria provided. Collection method: clinical testing. Allele origin: germline. Affected: yes. Study: VKGL Data-share Consensus. Not counted in ClinVar's aggregate classification.

Diagnostic Laboratory, Department of Genetics, University Medical Center Groningen
Classification: Likely benign for Chromosome 2q37 deletion syndrome. Review status: no assertion criteria provided. Collection method: clinical testing. Allele origin: germline. Affected: yes. Study: VKGL Data-share Consensus. Not counted in ClinVar's aggregate classification.

NM_001378414.1(HDAC4):c.684G>A (p.Pro228=)

Gene: HDAC4 (histone deacetylase 4; minus strand). Cytogenetic location: 2q37.3.
Variant type: single nucleotide variant.
Coding change: c.684G>A on transcript NM_001378414.1 (MANE Select); coding-DNA position 684, G replaced by A.
Protein change: p.Pro228=; no amino-acid change (proline 228 retained).
Molecular consequence: synonymous variant.
Genome position (GRCh38, 1-based): chr2:239,156,701, C>T on the plus strand (G>A on the coding strand, the complement: HDAC4 is on the minus strand). VCF-style: chr2-239156701-C-T. GRCh37 (hg19) VCF-style: chr2-240078397-C-T.
Other names: c.684G>A, p.Pro228= (NM_001378415.1, NM_001378416.1, NM_001378417.1 and 1 more transcripts).
Identifiers: ClinVar variation 284218 (VCV000284218.35), dbSNP rs144387989, ClinGen allele CA2200134.
Genomic context (GRCh38, chr2:239,156,701, plus strand): 5'-TGGGCACTGACCTGTTTTCCTAAGAGGGAAGTCATCTTTGGCGTCGTACATTCCCAGGAC[C>T]GGGTGGTTATAGGAGGTCGACACTCCGCTCTGGGGTGGAGAACTCTGGTCAAGGGAACTG-3'
Protein context (NP_001365343.1, residues 218-238): QSGVSTSYNH[Pro228=]VLGMYDAKDD